The following is an entry in ClinVar:

ClinVar aggregate classification (germline): Uncertain significance (1 of 4 stars; one submission).

Conditions:
Familial thoracic aortic aneurysm and aortic dissection (TAAD). Also called: Thoracic aortic aneurysms and dissections. Identifiers: Orphanet 91387, MedGen C4707243, MONDO:0019625.

Submission:

Labcorp Genetics (formerly Invitae), Labcorp
Classification: Uncertain significance for Familial thoracic aortic aneurysm and aortic dissection. Last evaluated: 2018-10-26. Review status: criteria provided, single submitter. Criteria: Invitae Variant Classification Sherloc (09022015). Collection method: clinical testing. Allele origin: germline.
Comment: This sequence change replaces arginine with serine at codon 373 of the SMAD3 protein (p.Arg373Ser). The arginine residue is highly conserved and there is a moderate physicochemical difference between arginine and serine. This variant is not present in population databases (ExAC no frequency). This variant disrupts the p.Arg373 amino acid residue in SMAD3. Other variant(s) that disrupt this residue have been observed in affected individuals (PMID: 25944730, Invitae), which suggests that this may be a clinically significant amino acid residue. In summary, the available evidence is currently insufficient to determine the role of this variant in disease. Therefore, it has been classified as a Variant of Uncertain Significance. Algorithms developed to predict the effect of missense changes on protein structure and function are either unavailable or do not agree on the potential impact of this missense change (SIFT: "Deleterious"; PolyPhen-2: "Probably Damaging"; Align-GVGD: "Class C0"). This variant has not been reported in the literature in individuals with SMAD3-related disease.

Literature cited by the submitters: PubMed 25944730.

NM_005902.4(SMAD3):c.1117C>A (p.Arg373Ser)

Gene: SMAD3 (SMAD family member 3; plus strand). Cytogenetic location: 15q22.33.
Variant type: single nucleotide variant.
Coding change: c.1117C>A on transcript NM_005902.4 (MANE Select); coding-DNA position 1117, C replaced by A.
Protein change: p.Arg373Ser; replaces arginine 373 with serine.
Molecular consequence: missense variant.
Genome position (GRCh38, 1-based): chr15:67,187,472, C>A. VCF-style: chr15-67187472-C-A. GRCh37 (hg19) VCF-style: chr15-67479810-C-A.
Other names: c.802C>A, p.Arg268Ser (NM_001145102.2); c.985C>A, p.Arg329Ser (NM_001145103.2); c.532C>A, p.Arg178Ser (NM_001145104.2); short protein forms R268S, R373S, R178S, R329S.
Identifiers: ClinVar variation 654976 (VCV000654976.7), dbSNP rs863223746, ClinGen allele CA392958287.